The following is an entry in ClinVar:

NM_032228.6(FAR1):c.1007G>A (p.Arg336Lys)

Gene: FAR1 (fatty acyl-CoA reductase 1; plus strand). Cytogenetic location: 11p15.3.
Variant type: single nucleotide variant.
Coding change: c.1007G>A on transcript NM_032228.6 (MANE Select); coding-DNA position 1007, G replaced by A.
Protein change: p.Arg336Lys; replaces arginine 336 with lysine.
Molecular consequence: missense variant.
Genome position (GRCh38, 1-based): chr11:13,714,560, G>A. VCF-style: chr11-13714560-G-A. GRCh37 (hg19) VCF-style: chr11-13736107-G-A.
Other names: c.1007G>A (NM_032228.5); short protein forms R336K.
Identifiers: ClinVar variation 1508509 (VCV001508509.7), dbSNP rs1015985419, ClinGen allele CA218131062.

ClinVar aggregate classification (germline): Uncertain significance. Review status: criteria provided, multiple submitters, no conflicts (2 of 4 stars). 2 submissions from 2 submitters: Uncertain significance (2). Last evaluated 2025-12-26.

Conditions:
Inborn genetic diseases. Identifiers: MedGen C0950123, MeSH D030342.

Allele frequency attached by ClinVar (database versions not stated): gnomAD exomes below 0.00001; gnomAD 0.00003 and 0.00004; TOPMed 0.00003.
gnomAD v4.1: 4 of 1,613,052 alleles (0.00025%); highest among the groups gnomAD compares: African/African-American, 0.0053%; no homozygotes.

Submissions (2):

Labcorp Genetics (formerly Invitae), Labcorp
Classification: Uncertain significance. Last evaluated: 2025-12-26. Review status: criteria provided, single submitter. Criteria: Invitae Variant Classification Sherloc (09022015). Collection method: clinical testing. Allele origin: germline.
Comment: This sequence change replaces arginine, which is basic and polar, with lysine, which is basic and polar, at codon 336 of the FAR1 protein (p.Arg336Lys). This variant is present in population databases (no rsID available, gnomAD 0.007%). This variant has not been reported in the literature in individuals affected with FAR1-related conditions. ClinVar contains an entry for this variant (Variation ID: 1508509). Invitae Evidence Modeling of protein sequence and biophysical properties (such as structural, functional, and spatial information, amino acid conservation, physicochemical variation, residue mobility, and thermodynamic stability) has been performed for this missense variant. However, the output from this modeling did not meet the statistical confidence thresholds required to predict the impact of this variant on FAR1 protein function. In summary, the available evidence is currently insufficient to determine the role of this variant in disease. Therefore, it has been classified as a Variant of Uncertain Significance.

Ambry Genetics
Classification: Uncertain significance for Inborn genetic diseases. Last evaluated: 2023-05-17. Review status: criteria provided, single submitter. Criteria: Ambry Variant Classification Scheme 2023. Collection method: clinical testing. Allele origin: germline.